The following is an entry in ClinVar:

NM_000350.3(ABCA4):c.514G>T (p.Gly172Cys)

Gene: ABCA4 (ATP binding cassette subfamily A member 4; minus strand). Cytogenetic location: 1p22.1.
Variant type: single nucleotide variant.
Coding change: c.514G>T on transcript NM_000350.3 (MANE Select); coding-DNA position 514, G replaced by T.
Protein change: p.Gly172Cys; replaces glycine 172 with cysteine.
Molecular consequence: missense variant.
Genome position (GRCh38, 1-based): chr1:94,103,071, C>A on the plus strand (G>T on the coding strand, the complement: ABCA4 is on the minus strand). VCF-style: chr1-94103071-C-A. GRCh37 (hg19) VCF-style: chr1-94568627-C-A.
Other names: c.514G>T, p.Gly172Cys (NM_001425324.1); short protein forms G172C.
Identifiers: ClinVar variation 2019001 (VCV002019001.4), dbSNP rs61748532, ClinGen allele CA341290945.

ClinVar aggregate classification (germline): Likely pathogenic (1 of 4 stars; one submission).

gnomAD v4.1: 2 of 1,614,088 alleles (0.00012%); highest among the groups gnomAD compares: East Asian, 0.0022%; no homozygotes.

Submission:

Labcorp Genetics (formerly Invitae), Labcorp
Classification: Likely pathogenic. Last evaluated: 2023-04-14. Review status: criteria provided, single submitter. Criteria: Invitae Variant Classification Sherloc (09022015). Collection method: clinical testing. Allele origin: germline.
Comment: This variant has not been reported in the literature in individuals affected with ABCA4-related conditions. This variant is not present in population databases (gnomAD no frequency). This sequence change replaces glycine, which is neutral and non-polar, with cysteine, which is neutral and slightly polar, at codon 172 of the ABCA4 protein (p.Gly172Cys). This variant disrupts the p.Gly172 amino acid residue in ABCA4. Other variant(s) that disrupt this residue have been determined to be pathogenic (PMID: 19265867, 25922843; Invitae). This suggests that this residue is clinically significant, and that variants that disrupt this residue are likely to be disease-causing. In summary, the currently available evidence indicates that the variant is pathogenic, but additional data are needed to prove that conclusively. Therefore, this variant has been classified as Likely Pathogenic. ClinVar contains an entry for this variant (Variation ID: 2019001). Advanced modeling of protein sequence and biophysical properties (such as structural, functional, and spatial information, amino acid conservation, physicochemical variation, residue mobility, and thermodynamic stability) performed at Invitae indicates that this missense variant is expected to disrupt ABCA4 protein function.

Literature cited by the submitters: PubMed 19265867; PubMed 25922843.